The following is an entry in ClinVar:

NM_000742.4(CHRNA2):c.691T>C (p.Trp231Arg)

Gene: CHRNA2 (cholinergic receptor nicotinic alpha 2 subunit; minus strand). Cytogenetic location: 8p21.2.
Variant type: single nucleotide variant.
Coding change: c.691T>C on transcript NM_000742.4 (MANE Select); coding-DNA position 691, T replaced by C.
Protein change: p.Trp231Arg; replaces tryptophan 231 with arginine.
Molecular consequence: missense variant.
Genome position (GRCh38, 1-based): chr8:27,463,752, A>G on the plus strand (T>C on the coding strand, the complement: CHRNA2 is on the minus strand). VCF-style: chr8-27463752-A-G. GRCh37 (hg19) VCF-style: chr8-27321269-A-G.
Other names: c.646T>C, p.Trp216Arg (NM_001282455.2); c.214T>C, p.Trp72Arg (NM_001347705.2, NM_001347706.2); c.97T>C, p.Trp33Arg (NM_001347707.2, NM_001347708.2); short protein forms W216R, W231R, W33R, W72R.
Identifiers: ClinVar variation 3898009 (VCV003898009.1).

ClinVar aggregate classification (germline): Uncertain significance (1 of 4 stars; one submission).

Conditions:
Autosomal dominant nocturnal frontal lobe epilepsy 4. Also called: EPILEPSY, FAMILIAL, WITH NOCTURNAL WANDERING AND ICTAL FEAR; CHRNA2-Related Nocturnal Frontal Lobe Epilepsy, Autosomal Dominant. Identifiers: Orphanet 98784, MedGen C1835905, MONDO:0012474, OMIM 610353.

Submission:

Neuberg Centre For Genomic Medicine, NCGM
Classification: Uncertain significance for Autosomal dominant nocturnal frontal lobe epilepsy 4. Last evaluated: 2024-02-01. Review status: criteria provided, single submitter. Criteria: ACMG Guidelines, 2015. Collection method: clinical testing. Allele origin: germline. Inheritance: Autosomal dominant inheritance.
Comment: The above variant in CHRNA2 gene has not been reported previously as a pathogenic variant nor as a benign variant, to our knowledge.